The following is an entry in ClinVar:

ClinVar aggregate classification (germline): Likely benign (0 of 4 stars; one submission).

Conditions:
PKD1-related disorder. Also called: PKD1-related condition.

Allele frequency attached by ClinVar (database versions not stated): ExAC 0.00001; gnomAD 0.00001; gnomAD exomes 0.00001.
gnomAD v4.1: 11 of 1,608,056 alleles (0.00068%); highest among the groups gnomAD compares: African/African-American, 0.004%; no homozygotes.

Submission:

PreventionGenetics, part of Exact Sciences
Classification: Likely benign for PKD1-related condition. Last evaluated: 2019-08-09. Review status: no assertion criteria provided. Collection method: clinical testing. Allele origin: germline.
Comment: This variant is classified as likely benign based on ACMG/AMP sequence variant interpretation guidelines (Richards et al. 2015 PMID: 25741868, with internal and published modifications).

NM_001009944.3(PKD1):c.9398-6T>C

Gene: PKD1 (polycystin 1, transient receptor potential channel interacting; minus strand). Cytogenetic location: 16p13.3.
Variant type: single nucleotide variant.
Coding change: c.9398-6T>C on transcript NM_001009944.3 (MANE Select); 6 bases into the intron before coding-DNA position 9398, T replaced by C.
Molecular consequence: intron variant.
Genome position (GRCh38, 1-based): chr16:2,100,572, A>G on the plus strand (T>C on the coding strand, the complement: PKD1 is on the minus strand). VCF-style: chr16-2100572-A-G. GRCh37 (hg19) VCF-style: chr16-2150573-A-G.
Other names: c.9398-6T>C (NM_000296.4).
Identifiers: ClinVar variation 3035810 (VCV003035810.2), dbSNP rs771284663, ClinGen allele CA7830099.